The following is an entry in ClinVar:

ClinVar aggregate classification (germline): Benign/Likely benign. Review status: criteria provided, multiple submitters, no conflicts (2 of 4 stars). 2 submissions from 2 submitters: Benign (1); Likely benign (1). Last evaluated 2026-09-23.

Conditions:
Neurofibromatosis, type 1 (NF1). Also called: Peripheral type neurofibromatosis; Neurofibromatosis, type I; VON RECKLINGHAUSEN DISEASE; NEUROFIBROMATOSIS, TYPE I, SOMATIC. Identifiers: Orphanet 636, MedGen C0027831, MONDO:0018975, OMIM 162200. Disease mechanism: loss of function.

Submissions (2):

Myriad Genetics, Inc.
Classification: Benign for Neurofibromatosis, type 1. Last evaluated: 2026-09-23. Review status: criteria provided, single submitter. Criteria: Myriad Autosomal Dominant, Autosomal Recessive and X-Linked Classification Criteria (2023). Collection method: clinical testing. Allele origin: unknown.
Comment: This variant is considered benign. This variant is a silent/synonymous amino acid change and it is not expected to impact splicing.

Labcorp Genetics (formerly Invitae), Labcorp
Classification: Likely benign for Neurofibromatosis, type 1. Last evaluated: 2023-11-27. Review status: criteria provided, single submitter. Criteria: Invitae Variant Classification Sherloc (09022015). Collection method: clinical testing. Allele origin: germline.

NM_001042492.3(NF1):c.5859G>C (p.Leu1953=)

Gene: NF1 (neurofibromin 1; plus strand). Cytogenetic location: 17q11.2.
Variant type: single nucleotide variant.
Coding change: c.5859G>C on transcript NM_001042492.3 (MANE Select); coding-DNA position 5859, G replaced by C.
Protein change: p.Leu1953=; no amino-acid change (leucine 1953 retained).
Molecular consequence: synonymous variant.
Genome position (GRCh38, 1-based): chr17:31,334,884, G>C. VCF-style: chr17-31334884-G-C. GRCh37 (hg19) VCF-style: chr17-29661902-G-C.
Other names: c.5796G>C, p.Leu1932= (NM_000267.4).
Identifiers: ClinVar variation 2699140 (VCV002699140.4), dbSNP rs2151550366, ClinGen allele CA499233718.